The following is an entry in ClinVar:

ClinVar aggregate classification (germline): Uncertain significance (1 of 4 stars; one submission).

Conditions:
Neurofibromatosis, type 2 (SWNV). Also called: SCHWANNOMATOSIS, VESTIBULAR; NF2-Related Schwannomatosis; BILATERAL ACOUSTIC NEUROFIBROMATOSIS. Identifiers: Orphanet 637, MedGen C0027832, MONDO:0007039, OMIM 101000. Disease mechanism: loss of function.

Allele frequency attached by ClinVar (database versions not stated): gnomAD exomes below 0.00001.
gnomAD v4.1: 2 of 1,591,822 alleles (0.00013%); highest among the groups gnomAD compares: Non-Finnish European, 0.000086%; no homozygotes.

Submission:

Labcorp Genetics (formerly Invitae), Labcorp
Classification: Uncertain significance for Neurofibromatosis, type 2. Last evaluated: 2021-09-04. Review status: criteria provided, single submitter. Criteria: Invitae Variant Classification Sherloc (09022015). Collection method: clinical testing. Allele origin: germline.
Comment: In summary, the available evidence is currently insufficient to determine the role of this variant in disease. Therefore, it has been classified as a Variant of Uncertain Significance. Variants that disrupt the consensus splice site are a relatively common cause of aberrant splicing (PMID: 17576681, 9536098). Algorithms developed to predict the effect of sequence changes on RNA splicing suggest that this variant is not likely to affect RNA splicing. This variant has not been reported in the literature in individuals affected with NF2-related conditions. This variant is not present in population databases (ExAC no frequency). This sequence change falls in intron 1 of the NF2 gene. It does not directly change the encoded amino acid sequence of the NF2 protein. It affects a nucleotide within the consensus splice site of the intron.

Literature cited by the submitters: PubMed 17576681; PubMed 9536098.

NM_000268.4(NF2):c.114+6C>A

Gene: NF2 (NF2, moesin-ezrin-radixin like (MERLIN) tumor suppressor; plus strand). Cytogenetic location: 22q12.2.
Variant type: single nucleotide variant.
Coding change: c.114+6C>A on transcript NM_000268.4 (MANE Select); 6 bases into the intron after coding-DNA position 114, C replaced by A.
Molecular consequence: intron variant.
Genome position (GRCh38, 1-based): chr22:29,604,118, C>A. VCF-style: chr22-29604118-C-A. GRCh37 (hg19) VCF-style: chr22-30000107-C-A.
Other names: c.114+6C>A (NM_016418.5, NM_181832.3, NM_181833.3 and 5 more transcripts).
Identifiers: ClinVar variation 1349794 (VCV001349794.6), dbSNP rs1060503671, ClinGen allele CA2573157873.
Genomic context (GRCh38, chr22:29,604,118, plus strand): 5'-GACGTTCACCGTGAGGATCGTCACCATGGACGCCGAGATGGAGTTCAATTGCGAGGTAAC[C>A]GGCCGGCAGCCCCGACTGCTGCGGTGACAGTCGAGGTGGAAGCTCGAGAGGTTCTCTTTA-3'